The following is an entry in ClinVar:

NM_020812.4(DOCK6):c.4159G>A (p.Glu1387Lys)

Genes: DOCK6 (dedicator of cytokinesis 6; minus strand), DOCK6-AS1 (DOCK6 antisense RNA 1; plus strand). Cytogenetic location: 19p13.2.
Variant type: single nucleotide variant.
Coding change: c.4159G>A on transcript NM_020812.4 (MANE Select); coding-DNA position 4159, G replaced by A.
Protein change: p.Glu1387Lys; replaces glutamic acid 1387 with lysine.
Molecular consequence: missense variant.
Genome position (GRCh38, 1-based): chr19:11,214,597, C>T on the plus strand (G>A on the coding strand, the complement: DOCK6 is on the minus strand). VCF-style: chr19-11214597-C-T. GRCh37 (hg19) VCF-style: chr19-11325273-C-T.
Other names: c.4264G>A, p.Glu1422Lys (NM_001367830.1); c.4159G>A (NM_020812.2); short protein forms E1422K, E1387K.
Identifiers: ClinVar variation 2202856 (VCV002202856.3), dbSNP rs374869280, ClinGen allele CA9206961.

ClinVar aggregate classification (germline): Uncertain significance. Review status: criteria provided, multiple submitters, no conflicts (2 of 4 stars). 2 submissions from 2 submitters: Uncertain significance (2). Last evaluated 2022-09-07.

Conditions:
Inborn genetic diseases. Identifiers: MedGen C0950123, MeSH D030342.

Allele frequency attached by ClinVar (database versions not stated): ExAC 0.00002; TOPMed 0.00002; gnomAD 0.00007; ESP Exome Variant Server 0.00008.
gnomAD v4.1: 78 of 1,613,724 alleles (0.0048%); highest among the groups gnomAD compares: Non-Finnish European, 0.0058%; no homozygotes.

Submissions (2):

Labcorp Genetics (formerly Invitae), Labcorp
Classification: Uncertain significance. Last evaluated: 2022-09-07. Review status: criteria provided, single submitter. Criteria: Invitae Variant Classification Sherloc (09022015). Collection method: clinical testing. Allele origin: germline.
Comment: This variant is present in population databases (rs374869280, gnomAD 0.008%). In summary, the available evidence is currently insufficient to determine the role of this variant in disease. Therefore, it has been classified as a Variant of Uncertain Significance. Algorithms developed to predict the effect of missense changes on protein structure and function are either unavailable or do not agree on the potential impact of this missense change (SIFT: "Deleterious"; PolyPhen-2: "Possibly Damaging"; Align-GVGD: "Class C0"). This variant has not been reported in the literature in individuals affected with DOCK6-related conditions. This sequence change replaces glutamic acid, which is acidic and polar, with lysine, which is basic and polar, at codon 1387 of the DOCK6 protein (p.Glu1387Lys).

Ambry Genetics
Classification: Uncertain significance for Inborn genetic diseases. Last evaluated: 2021-04-09. Review status: criteria provided, single submitter. Criteria: Ambry Variant Classification Scheme 2023. Collection method: clinical testing. Allele origin: germline.